The following is an entry in ClinVar:

ClinVar aggregate classification (germline): Benign/Likely benign. Review status: criteria provided, multiple submitters, no conflicts (2 of 4 stars). 5 submissions from 5 submitters: Benign (2); Likely benign (3). Last evaluated 2026-06-01.

Conditions:
Huntington disease (HD). Also called: Huntington's chorea; Huntington's disease; HUNTINGTON CHOREA. Identifiers: Orphanet 248111, Orphanet 399, MedGen C0020179, MONDO:0007739, OMIM 143100.
Lopes-Maciel-Rodan syndrome (LOMARS). Identifiers: MedGen C4479491, MONDO:0054573, OMIM 617435.

Allele frequency attached by ClinVar (database versions not stated): gnomAD 0.00198 and 0.00184; 1000 Genomes Project 0.00220; 1000 Genomes Project 30x 0.00234; gnomAD exomes 0.00017 and 0.00044; ExAC 0.00055; ESP Exome Variant Server 0.00192; TOPMed 0.00196.
gnomAD v4.1: 536 of 1,611,820 alleles (0.033%); highest among the groups gnomAD compares: African/African-American, 0.62%; 1 homozygote.

Submissions (5):

CeGaT Center for Human Genetics Tuebingen
Classification: Likely benign. Last evaluated: 2026-06-01. Review status: criteria provided, single submitter. Criteria: CeGaT Center For Human Genetics Tuebingen Variant Classification Criteria Version 2. Collection method: clinical testing. Allele origin: germline. Affected: yes. Observed: 1 variant allele.
Comment: HTT: BP4, BP7

Labcorp Genetics (formerly Invitae), Labcorp
Classification: Benign. Last evaluated: 2024-12-02. Review status: criteria provided, single submitter. Criteria: Invitae Variant Classification Sherloc (09022015). Collection method: clinical testing. Allele origin: germline.

Blueprint Genetics
Classification: Likely benign. Last evaluated: 2024-10-18. Review status: criteria provided, single submitter. Criteria: ACMG Guidelines, 2015. Collection method: clinical testing. Allele origin: germline.

Fulgent Genetics
Classification: Likely benign for Huntington disease; Lopes-Maciel-Rodan syndrome. Last evaluated: 2021-09-27. Review status: criteria provided, single submitter. Criteria: ACMG Guidelines, 2015. Collection method: clinical testing. Allele origin: unknown.

Breakthrough Genomics
Classification: Benign. Review status: criteria provided, single submitter. Criteria: ACMG Guidelines, 2015. Collection method: not provided. Allele origin: germline. Inheritance: Autosomal recessive inheritance. Affected: yes.

NM_001388492.1(HTT):c.4638C>G (p.Val1546=)

Gene: HTT (huntingtin; plus strand). Cytogenetic location: 4p16.3.
Variant type: single nucleotide variant.
Coding change: c.4638C>G on transcript NM_001388492.1 (MANE Select); coding-DNA position 4638, C replaced by G.
Protein change: p.Val1546=; no amino-acid change (valine 1546 retained).
Molecular consequence: synonymous variant.
Genome position (GRCh38, 1-based): chr4:3,180,540, C>G. VCF-style: chr4-3180540-C-G. GRCh37 (hg19) VCF-style: chr4-3182267-C-G.
Other names: c.4644C>G, p.Val1548= (NM_002111.8).
Identifiers: ClinVar variation 1671702 (VCV001671702.13), dbSNP rs116293982, ClinGen allele CA2824503.
Genomic context (GRCh38, chr4:3,180,540, plus strand): 5'-AAATGCCTGATAAGGGTACCCTTTTGTCCCCACAGCCATACCGGCTCTGCAGCCCATAGT[C>G]CACGACCTCTTTGTATTAAGAGGAACAAATAAAGCTGATGCAGGAAAAGAGCTTGAAACC-3'
Protein context (NP_001375421.1, residues 1536-1556): THAIPALQPI[Val1546=]HDLFVLRGTN